The following continues an entry in ClinVar:

NM_000261.2(MYOC):c.1102C>T (p.Gln368Ter)

Gene: MYOC. ClinVar aggregate classification (germline): Pathogenic. Pathogenic (1).

Submissions 7 to 19 of 19:

GeneDx
Classification: Pathogenic. Last evaluated: 2025-03-05. Review status: criteria provided, single submitter. Criteria: GeneDx Variant Classification Process June 2021. Collection method: clinical testing. Allele origin: germline. Affected: yes. Not counted in ClinVar's aggregate classification.
Comment: Reported as the most common pathogenic variant in association with MYOC-related primary open-angle glaucoma (PMID: 28038983, 23922489, 9005853); Reported to have reduced penetrance, ranging between 12-19% (PMID: 28038983); Nonsense variant predicted to result in protein truncation, as the last 137 amino acids are lost, and other loss-of-function variants have been reported downstream in HGMD; Published functional studies demonstrate a damaging effect with suppression of normal myocilin secretion and intracellular sequestration (PMID: 11152659, 16466712); This variant is associated with the following publications: (PMID: 26396484, 10209734, 26237198, 33713785, 34662886, 23922489, 23304066, 22615763, 23029558, 9005853, 27993484, 28282485, 19023451, 16466712, 11535458, 30267046, 30816137, 30484747, 30816940, 34426522, 34081096, 31589614, 30755392, 32476818, 11803488, 16358725, 34082484, 37734845, 36217948, 36450729, 11152659, 28038983)

Laboratory of Genetics, Children's Clinical University Hospital Latvia
Classification: Pathogenic. Last evaluated: 2025-02-16. Review status: criteria provided, single submitter. Criteria: ACMG Guidelines, 2015. Collection method: clinical testing. Allele origin: germline. Affected: yes. Not counted in ClinVar's aggregate classification.

Department of Pathology and Laboratory Medicine, Sinai Health System
Classification: Pathogenic for Glaucoma 1, open angle, A. Last evaluated: 2023-09-21. Review status: criteria provided, single submitter. Criteria: ACMG Guidelines, 2015. Collection method: research. Allele origin: germline. Not counted in ClinVar's aggregate classification.

Victorian Clinical Genetics Services, Murdoch Childrens Research Institute
Classification: Pathogenic for Glaucoma 1, open angle, A. Last evaluated: 2023-07-16. Review status: criteria provided, single submitter. Criteria: ACMG Guidelines, 2015. Collection method: clinical testing. Allele origin: germline. Inheritance: Autosomal dominant inheritance. Affected: no. Not counted in ClinVar's aggregate classification.
Comment: Based on the classification scheme VCGS_Germline_v1.3.4, this variant is classified as Pathogenic. Following criteria are met: 0101 - Gain of function is a known mechanism of disease in this gene and is associated with glaucoma 1A, primary open angle (MIM#137750). Functional studies have shown that pathogenic MYOC variants cause the protein to be processed incorrectly by the endoplasmic reticulum, causing the accumulation of insoluble aggregates and apoptosis via the unfolded protein response (PMID: 15069026). (I) 0107 - This gene is associated with autosomal dominant disease. (I) 0205 - Variant is predicted to result in a truncated protein (premature termination codon is NOT located at least 54 nucleotides upstream of the final exon-exon junction) with less than 1/3 of the protein sequence affected. (SP) 0251 - This variant is heterozygous. (I) 0310 - Variant is present in gnomAD (v2) >=0.001 and <0.01 for a dominant condition (314 heterozygotes, 0 homozygotes). (I) 0600 - Variant truncates the annotated olfactomedin-like domain (DECIPHER). (I) 0801 - This variant has strong previous evidence of pathogenicity in unrelated individuals. This variant has been classified as pathogenic by an expert panel in ClinVar and has been observed in many individuals with glaucoma. Studies have shown that 48% of carriers of this variant over the age of 65 develop glaucoma or ocular hypertension (PMID: 30267046). (I) Legend: (SP) - Supporting pathogenic, (I) - Information, (SB) - Supporting benign

Baylor Genetics
Classification: Pathogenic for Glaucoma 1, open angle, A. Last evaluated: 2022-11-02. Review status: criteria provided, single submitter. Criteria: ACMG Guidelines, 2015. Collection method: clinical testing. Allele origin: unknown. Not counted in ClinVar's aggregate classification.

Mendelics
Classification: Pathogenic for Glaucoma 1, open angle, A. Last evaluated: 2022-05-04. Review status: criteria provided, single submitter. Criteria: Mendelics Assertion Criteria 2019. Collection method: clinical testing. Allele origin: germline. Not counted in ClinVar's aggregate classification.

Genetics and Molecular Pathology, SA Pathology
Classification: Pathogenic for Glaucoma 1, open angle, A. Last evaluated: 2020-04-02. Review status: criteria provided, single submitter. Criteria: ACMG Guidelines, 2015. Collection method: clinical testing. Allele origin: germline. Affected: yes. Not counted in ClinVar's aggregate classification.

Center for Personalized Medicine, Children's Hospital Los Angeles
Classification: Likely pathogenic. Last evaluated: 2018-11-19. Review status: criteria provided, single submitter. Criteria: ACMG Guidelines, 2015. Collection method: clinical testing. Allele origin: germline. Affected: yes. Not counted in ClinVar's aggregate classification.

Illumina Laboratory Services, Illumina
Classification: Likely pathogenic for Primary Open Angle Glaucoma. Last evaluated: 2016-06-14. Review status: criteria provided, single submitter. Criteria: ICSL Variant Classification 20161018. Collection method: clinical testing. Allele origin: germline. Not counted in ClinVar's aggregate classification.
Comment: The c.1102C>T (p.Gln368Ter) variant is a stop-gained variant. Across a selection of the available literature, the p.Gln368Ter variant has been identified in a heterozygous state in 107 patients affected with primary open angle glaucoma (POAG) or ocular hypertension (Stone et al. 1997; Angius et al. 2000; Craig et al. 2001; Mataftsi et al. 2001; Cobb et al. 2002; Faucher et al. 2002; Melki et al. 2003; Bhattacharjee et al. 2007; Lopez-Martinez et al. 2007; Hogewind et al. 2010; Liu et al. 2012; Young et al. 2012). The p.Gln368Ter variant was also reported in a heterozygous state in 56 controls and unaffected family members and is reported at a frequency of 0.00363 in the European (Finnish) population of the Exome Aggregation Consortium. The relatively high number of unaffected individuals carrying the variant could be consistent with reduced or age-related penetrance. This variant may represent a risk allele for development of POAG. In vitro functional studies by Aroca-Aquilar et al. (2008) showed that heterozygous expression of the p.Gln368Ter variant increases secretion of the variant protein and reduces extracellular processed myocilin, while Qiu et al. (2014) demonstrated that p.Gln368Ter variant myocilin results in compromised ubiquitin-proteasome function and induced autophagy. Based on the evidence, the p.Gln368Ter variant is classified as likely pathogenic and possible risk allele for primary open angle glaucoma.

Centre for Mendelian Genomics, University Medical Centre Ljubljana
Classification: Likely pathogenic for Glaucoma 1, open angle, A. Last evaluated: 2016-01-01. Review status: criteria provided, single submitter. Criteria: ACMG Guidelines, 2015. Collection method: clinical testing. Allele origin: unknown. Affected: yes. Not counted in ClinVar's aggregate classification.
Comment: This variant was classified as: Likely pathogenic. The following ACMG criteria were applied in classifying this variant: PS3,PM1,PP5.

Juno Genomics, Hangzhou Juno Genomics, Inc
Classification: Pathogenic for Glaucoma 1, open angle, A. Review status: criteria provided, single submitter. Criteria: ACMG Guidelines, 2015. Collection method: clinical testing. Allele origin: germline. Not counted in ClinVar's aggregate classification.
Comment: Protein length changes due to in-frame deletions/insertions in a non-repeat region or stop-loss variants.;The prevalence of the variant in affected individuals is significantly increased compared to the prevalence in controls.;Co-segregation with disease in multiple affected family members.;Well-established in vitro or in vivo functional studies supportive of a damaging effect on the gene or gene product.

Pars Genome Lab
Classification: Likely benign for Glaucoma 1, open angle, A. Review status: criteria provided, single submitter. Criteria: ACMG Guidelines, 2015. Collection method: clinical testing. Allele origin: germline. Inheritance: Autosomal dominant inheritance. Affected: no. Not counted in ClinVar's aggregate classification.

OMIM
Classification: Pathogenic for GLAUCOMA 1, OPEN ANGLE, A. Last evaluated: 2003-02-01. Review status: no assertion criteria provided. Collection method: literature only. Allele origin: germline. Not counted in ClinVar's aggregate classification.

Literature cited by the submitters: PubMed 11004290 (cited by ClinGen Glaucoma Variant Curation Expert Panel and Labcorp Genetics (formerly Invitae), Labcorp); PubMed 10815160 (cited by 4 submitters); PubMed 19023451 (cited by 3 submitters); PubMed 11803488 (cited by Women's Health and Genetics/Laboratory Corporation of America, LabCorp and Illumina Laboratory Services, Illumina); PubMed 11535458 (cited by 3 submitters); PubMed 16466712 (cited by Variantyx, Inc.); PubMed 23029558 (cited by Labcorp Genetics (formerly Invitae), Labcorp); PubMed 26396484 (cited by Labcorp Genetics (formerly Invitae), Labcorp); PubMed 15069026 (cited by Victorian Clinical Genetics Services, Murdoch Childrens Research Institute); PubMed 30267046 (cited by Victorian Clinical Genetics Services, Murdoch Childrens Research Institute); PubMed 9005853 (cited by Illumina Laboratory Services, Illumina); PubMed 9639450 (cited by Illumina Laboratory Services, Illumina); PubMed 11815346 (cited by Illumina Laboratory Services, Illumina); PubMed 12189160 (cited by Illumina Laboratory Services, Illumina); PubMed 12872267 (cited by Illumina Laboratory Services, Illumina); PubMed 17562996 (cited by Illumina Laboratory Services, Illumina); PubMed 17615537 (cited by Illumina Laboratory Services, Illumina); PubMed 20021252 (cited by Illumina Laboratory Services, Illumina); PubMed 22933836 (cited by Illumina Laboratory Services, Illumina); PubMed 23304066 (cited by Illumina Laboratory Services, Illumina); PubMed 24732711 (cited by Illumina Laboratory Services, Illumina); Stone, E. M. Personal Communication. 1999. Iowa City, Iowa (cited by OMIM); Stone, E. M. Personal Communication. 1997. Iowa City, Iowa (cited by OMIM); PubMed 12522550 (cited by OMIM); PubMed 11292420 (cited by OMIM).